The following is an entry in ClinVar:

ClinVar aggregate classification (germline): Uncertain significance (1 of 4 stars; one submission).

Allele frequency attached by ClinVar (database versions not stated): gnomAD exomes below 0.00001; ExAC 0.00001.
gnomAD v4.1: 1 of 1,200,326 alleles (0.000083%); highest among the groups gnomAD compares: Non-Finnish European, 0.00011%; no homozygotes.

Submission:

Labcorp Genetics (formerly Invitae), Labcorp
Classification: Uncertain significance. Last evaluated: 2024-05-07. Review status: criteria provided, single submitter. Criteria: Invitae Variant Classification Sherloc (09022015). Collection method: clinical testing. Allele origin: germline.
Comment: This sequence change replaces glycine, which is neutral and non-polar, with arginine, which is basic and polar, at codon 2029 of the USP9X protein (p.Gly2029Arg). This variant also falls at the last nucleotide of exon 35, which is part of the consensus splice site for this exon. The frequency data for this variant in the population databases is considered unreliable, as metrics indicate poor data quality at this position in the gnomAD database. This missense change has been observed in individual(s) with clinical features of USP9X-related conditions (Invitae). An algorithm developed to predict the effect of missense changes on protein structure and function (PolyPhen-2) suggests that this variant is likely to be disruptive. Variants that disrupt the consensus splice site are a relatively common cause of aberrant splicing (PMID: 17576681, 9536098). Algorithms developed to predict the effect of sequence changes on RNA splicing suggest that this variant may disrupt the consensus splice site. In summary, the available evidence is currently insufficient to determine the role of this variant in disease. Therefore, it has been classified as a Variant of Uncertain Significance.

Literature cited by the submitters: PubMed 17576681; PubMed 9536098.

NM_001039591.3(USP9X):c.6085G>A (p.Gly2029Arg)

Gene: USP9X (ubiquitin specific peptidase 9 X-linked; plus strand). Cytogenetic location: Xp11.4.
Variant type: single nucleotide variant.
Coding change: c.6085G>A on transcript NM_001039591.3 (MANE Select); coding-DNA position 6085, G replaced by A.
Protein change: p.Gly2029Arg; replaces glycine 2029 with arginine.
Molecular consequence: missense variant.
Genome position (GRCh38, 1-based): chrX:41,216,652, G>A. VCF-style: chrX-41216652-G-A. GRCh37 (hg19) VCF-style: chrX-41075905-G-A.
Other names: c.6085G>A, p.Gly2029Arg (NM_001039590.3); c.6100G>A, p.Gly2034Arg (NM_001410748.1, NM_001410749.1); short protein forms G2034R, G2029R.
Identifiers: ClinVar variation 2708412 (VCV002708412.3), dbSNP rs745386309, ClinGen allele CA10389046.